The following is an entry in ClinVar:

ClinVar aggregate classification (germline): Conflicting classifications of pathogenicity. Review status: criteria provided, conflicting classifications (1 of 4 stars). 4 submissions from 4 submitters: Uncertain significance (3); Likely benign (1). Last evaluated 2025-11-24.

Conditions:
Cardiovascular phenotype. Identifiers: MedGen CN230736.
Duchenne muscular dystrophy (DMD). Also called: Duchenne Muscular Dystrophy (DMD); MUSCULAR DYSTROPHY, PSEUDOHYPERTROPHIC PROGRESSIVE, DUCHENNE TYPE. Identifiers: Orphanet 98896, MedGen C0013264, MONDO:0010679, OMIM 310200.

Allele frequency attached by ClinVar (database versions not stated): gnomAD exomes 0.00004; ExAC 0.00005; TOPMed 0.00002; ESP Exome Variant Server 0.00009.
gnomAD v4.1: 44 of 1,208,251 alleles (0.0036%); highest among the groups gnomAD compares: South Asian, 0.049%; no homozygotes.

Submissions (4):

Labcorp Genetics (formerly Invitae), Labcorp
Classification: Likely benign for Duchenne muscular dystrophy. Last evaluated: 2025-11-24. Review status: criteria provided, single submitter. Criteria: Invitae Variant Classification Sherloc (09022015). Collection method: clinical testing. Allele origin: germline.

Ambry Genetics
Classification: Uncertain significance for Cardiovascular phenotype. Last evaluated: 2025-02-06. Review status: criteria provided, single submitter. Criteria: Ambry Variant Classification Scheme 2023. Collection method: clinical testing. Allele origin: germline.
Comment: The p.R751W variant (also known as c.2251C>T), located in coding exon 18 of the DMD gene, results from a C to T substitution at nucleotide position 2251. The arginine at codon 751 is replaced by tryptophan, an amino acid with dissimilar properties. This alteration has been reported in a Duchenne muscular dystrophy cohort (Kumar SH et al. PLoS One, 2020 Jun;15:e0232654). Based on data from gnomAD, the T allele has an overall frequency of 0.004% (8/183160) total alleles studied, with 4 hemizygotes observed. The highest observed frequency was 0.026% (5/19037) of South Asian alleles. This amino acid position is highly conserved in available vertebrate species. In addition, the in silico prediction for this alteration is inconclusive. Based on the available evidence, the clinical significance of this variant remains unclear.

Blueprint Genetics
Classification: Uncertain significance. Last evaluated: 2024-02-07. Review status: criteria provided, single submitter. Criteria: ACMG Guidelines, 2015. Collection method: clinical testing. Allele origin: germline.

GeneDx
Classification: Uncertain significance. Last evaluated: 2014-09-03. Review status: criteria provided, single submitter. Criteria: GeneDx Variant Classification (06012015). Collection method: clinical testing. Allele origin: germline. Affected: yes.
Comment: p.Arg751Trp (CGG>TGG): c.2251 C>T in exon 18 of the DMD gene (NM_004006.2). A variant of unknown significance has been identified in the DMD gene. The R751W variant has not been published as a mutation or as a benign polymorphism to our knowledge. The R751W variant was not observed with any significant frequency in approximately 6,500 individuals of European and African American ancestry in the NHLBI Exome Sequencing Project. The R571W variant is a non-conservative amino acid substitution, which is likely to impact secondary protein structure as these residues differ in polarity, charge, size and/or other properties. In addition, this substitution occurs at a position that is conserved across species. Moreover, in silico analysis predicts this variant is probably damaging to the protein structure/function. However, no missense mutations in nearby residues have been reported in association with DMD-related disorder, indicating this region of the protein may be tolerant of change. Finally, the majority of disease-causing mutations in the DMD gene are exon-level deletions or duplications. Therefore, based on the currently available information, it is unclear whether this variant is a pathogenic mutation or a rare benign variant. The variant is found in CARDIOMYOPATHY panel(s).

Literature cited by the submitters: PubMed 32559196 (cited by Ambry Genetics).

NM_004006.3(DMD):c.2251C>T (p.Arg751Trp)

Gene: DMD (dystrophin; minus strand). Cytogenetic location: Xp21.1.
Variant type: single nucleotide variant.
Coding change: c.2251C>T on transcript NM_004006.3 (MANE Select); coding-DNA position 2251, C replaced by T.
Protein change: p.Arg751Trp; replaces arginine 751 with tryptophan.
Molecular consequence: missense variant.
Genome position (GRCh38, 1-based): chrX:32,518,049, G>A on the plus strand (C>T on the coding strand, the complement: DMD is on the minus strand). VCF-style: chrX-32518049-G-A. GRCh37 (hg19) VCF-style: chrX-32536166-G-A.
Other names: p.R751W:CGG>TGG; c.2227C>T, p.Arg743Trp (NM_000109.4); c.2239C>T, p.Arg747Trp (NM_004009.3); c.1882C>T, p.Arg628Trp (NM_004010.3); short protein forms R751W, R747W, R628W, R743W.
Identifiers: ClinVar variation 201757 (VCV000201757.14), dbSNP rs373475448, ClinGen allele CA308416.
Genomic context (GRCh38, chrX:32,518,049, plus strand): 5'-AAATTAATGCATAACCTACATTGACTTTTTCTTTTAAGTCTGAGAAGTTGCCTTCCTTCC[G>A]AAAGATTGCAAATTCAGGACTCTGCAACACAGCTTCTGAGCGAGTAATCCAGCTGTGAAG-3'
Protein context (NP_003997.2, residues 741-761): VLQSPEFAIF[Arg751Trp]KEGNFSDLKE